The following is an entry in ClinVar:

ClinVar aggregate classification (germline): Likely pathogenic (1 of 4 stars; one submission).

Conditions:
Microcephaly 18, primary, autosomal dominant (MCPH18). Identifiers: MedGen C4479608, MONDO:0054593, OMIM 617520.

Allele frequency attached by ClinVar (database versions not stated): TOPMed 0.00001.

Submission:

MGZ Medical Genetics Center
Classification: Likely pathogenic for Microcephaly 18, primary, autosomal dominant. Last evaluated: 2022-07-25. Review status: criteria provided, single submitter. Criteria: ACMG Guidelines, 2015. Collection method: clinical testing. Allele origin: germline. Affected: yes. Observed: 1 variant allele.
Comment: ACMG criteria applied: PVS1, PM2_SUP

NM_014991.6(WDFY3):c.2785C>T (p.Arg929Ter)

Genes: WDFY3 (WD repeat and FYVE domain containing 3; minus strand), WDFY3-AS1 (WDFY3 antisense RNA 1; plus strand). Cytogenetic location: 4q21.23.
Variant type: single nucleotide variant.
Coding change: c.2785C>T on transcript NM_014991.6 (MANE Select); coding-DNA position 2785, C replaced by T.
Protein change: p.Arg929Ter; replaces arginine 929 with a stop codon.
Molecular consequence: nonsense.
Genome position (GRCh38, 1-based): chr4:84,801,687, G>A on the plus strand (C>T on the coding strand, the complement: WDFY3 is on the minus strand). VCF-style: chr4-84801687-G-A. GRCh37 (hg19) VCF-style: chr4-85722840-G-A.
Other names: short protein forms R929*.
Identifiers: ClinVar variation 1709645 (VCV001709645.2), dbSNP rs973920709, ClinGen allele CA100723922.
Genomic context (GRCh38, chr4:84,801,687, plus strand): 5'-TTTGAGTATGAAAGAGAACTTACCTCAACACCATGGGTTCCAGAGCCTGAGAGGCTAATC[G>A]TTCAAACATCCGCTGCAGGGGCGGGTGCAGTGAGTGGTCCTCATCAGCCAATGCAGCACT-3'